The following is an entry in ClinVar:

NM_000059.4(BRCA2):c.4631A>G (p.Asn1544Ser)

Gene: BRCA2 (BRCA2 DNA repair associated; plus strand). Cytogenetic location: 13q13.1.
Variant type: single nucleotide variant.
Coding change: c.4631A>G on transcript NM_000059.4 (MANE Select); coding-DNA position 4631, A replaced by G.
Protein change: p.Asn1544Ser; replaces asparagine 1544 with serine.
Molecular consequence: missense variant.
Genome position (GRCh38, 1-based): chr13:32,338,986, A>G. VCF-style: chr13-32338986-A-G. GRCh37 (hg19) VCF-style: chr13-32913123-A-G.
Other names: short protein forms N1544S.
Identifiers: ClinVar variation 142832 (VCV000142832.20), dbSNP rs587782753, ClinGen allele CA020557.
Genomic context (GRCh38, chr13:32,338,986, plus strand): 5'-TTCATACAGCTAGCGGGAAAAAAGTTAAAATTGCAAAGGAATCTTTGGACAAAGTGAAAA[A>G]CCTTTTTGATGAAAAAGAGCAAGGTACTAGTGAAATCACCAGTTTTAGCCATCAATGGGC-3'
Protein context (NP_000050.3, residues 1534-1554): IAKESLDKVK[Asn1544Ser]LFDEKEQGTS

ClinVar aggregate classification (germline): Conflicting classifications of pathogenicity. Review status: criteria provided, conflicting classifications (1 of 4 stars). 6 submissions from 6 submitters: Uncertain significance (5); Likely benign (1). Last evaluated 2025-12-01.

Conditions:
Hereditary breast ovarian cancer syndrome. Also called: Hereditary breast and ovarian cancer; Hereditary breast and ovarian cancer syndrome (HBOC); Hereditary breast and ovarian cancer syndrome; BRCA1- and BRCA2-Associated Hereditary Breast and Ovarian Cancer; Breast and ovarian cancer; Hereditary breast and/or ovarian cancer syndrome. Identifiers: Orphanet 145, MedGen C0677776, MeSH D061325, MONDO:0003582. Disease mechanism: loss of function.
Fanconi anemia complementation group D1. Also called: BRCA2-Related Fanconi Anemia. Identifiers: Orphanet 319462, MedGen C1838457, MONDO:0011584, OMIM 605724.
Hereditary cancer-predisposing syndrome. Also called: Tumor predisposition; Neoplastic Syndromes, Hereditary; Hereditary neoplastic syndrome; Hereditary Cancer Syndrome. Identifiers: Orphanet 140162, MedGen C0027672, MeSH D009386, MONDO:0015356.

Allele frequency attached by ClinVar (database versions not stated): TOPMed below 0.00001.

Submissions (6):

Ambry Genetics
Classification: Uncertain significance for Hereditary cancer-predisposing syndrome. Last evaluated: 2025-12-01. Review status: criteria provided, single submitter. Criteria: Ambry Variant Classification Scheme 2023. Collection method: clinical testing. Allele origin: germline.
Comment: The p.N1544S variant (also known as c.4631A>G), located in coding exon 10 of the BRCA2 gene, results from an A to G substitution at nucleotide position 4631. The asparagine at codon 1544 is replaced by serine, an amino acid with highly similar properties. This amino acid position is not well conserved in available vertebrate species. In addition, this alteration is predicted to be tolerated by in silico analysis. Based on the available evidence, the clinical significance of this variant remains unclear.

Labcorp Genetics (formerly Invitae), Labcorp
Classification: Uncertain significance for Hereditary breast ovarian cancer syndrome. Last evaluated: 2025-10-27. Review status: criteria provided, single submitter. Criteria: Invitae Variant Classification Sherloc (09022015). Collection method: clinical testing. Allele origin: germline.
Comment: This sequence change replaces asparagine, which is neutral and polar, with serine, which is neutral and polar, at codon 1544 of the BRCA2 protein (p.Asn1544Ser). This variant is not present in population databases (gnomAD no frequency). This variant has not been reported in the literature in individuals affected with BRCA2-related conditions. ClinVar contains an entry for this variant (Variation ID: 142832). Invitae Evidence Modeling of protein sequence and biophysical properties (such as structural, functional, and spatial information, amino acid conservation, physicochemical variation, residue mobility, and thermodynamic stability) indicates that this missense variant is not expected to disrupt BRCA2 protein function with a negative predictive value of 95%. In summary, the available evidence is currently insufficient to determine the role of this variant in disease. Therefore, it has been classified as a Variant of Uncertain Significance.

University of Washington Department of Laboratory Medicine, University of Washington
Classification: Likely benign for Hereditary cancer-predisposing syndrome. Last evaluated: 2023-03-23. Review status: criteria provided, single submitter. Criteria: Dines et al. (Genet Med. 2020). Collection method: curation. Allele origin: germline.
Comment: Missense variant in a coldspot region where missense variants are very unlikely to be pathogenic (PMID:31911673).

BRCA2 exon 11 coldspot. Reclassification based on statistical prior probability.

Color Diagnostics, LLC DBA Color Health
Classification: Uncertain significance for Hereditary cancer-predisposing syndrome. Last evaluated: 2020-12-07. Review status: criteria provided, single submitter. Criteria: ACMG Guidelines, 2015. Collection method: clinical testing. Allele origin: germline.
Comment: This missense variant replaces asparagine with serine at codon 1544 of the BRCA2 protein. Computational prediction suggests that this variant may not impact protein structure and function (internally defined REVEL score threshold <= 0.5, PMID: 27666373). To our knowledge, functional studies have not been reported for this variant. This variant has not been reported in individuals affected with hereditary cancer in the literature. This variant has not been identified in the general population by the Genome Aggregation Database (gnomAD). The available evidence is insufficient to determine the role of this variant in disease conclusively. Therefore, this variant is classified as a Variant of Uncertain Significance.

Quest Diagnostics Nichols Institute San Juan Capistrano
Classification: Uncertain significance. Last evaluated: 2019-11-03. Review status: criteria provided, single submitter. Criteria: Quest Diagnostics criteria. Collection method: clinical testing. Allele origin: unknown.

Women's Health and Genetics/Laboratory Corporation of America, LabCorp
Classification: Uncertain significance. Last evaluated: 2018-04-26. Review status: criteria provided, single submitter. Criteria: LabCorp Variant Classification Summary - May 2015. Collection method: clinical testing. Allele origin: germline.
Comment: Variant summary: BRCA2 c.4631A>G (p.Asn1544Ser) results in a conservative amino acid change located in the BRCA2 repeat region (IPR002093) of the encoded protein sequence. This region consists of eight repeats (BRC) that are critical for binding to RAD51 (a key protein in DNA recombinational repair), and the variant is located to the conserved repeat 4 (BRC4) which is involved in binding Rad51 [PMID: 10551859]. Four of five in-silico tools predict a benign effect of the variant on protein function. The variant was absent in 120492 control chromosomes. The available data on variant occurrences in the general population are insufficient to allow any conclusion about variant significance. To our knowledge, no occurrence of c.4631A>G in individuals affected with Hereditary Breast and Ovarian Cancer and no experimental evidence demonstrating its impact on protein function have been reported. Co-occurrences with other pathogenic variant(s) have been reported (Ambry Genetics, BRCA2 variant not specified), providing supporting evidence for a benign role. One clinical diagnostic laboratory has submitted clinical-significance assessments for this variant to ClinVar after 2014 without evidence for independent evaluation and classified the variant as uncertain significance. Based on the evidence outlined above, the variant was classified as uncertain significance.